The following is an entry in ClinVar:

NM_006440.5(TXNRD2):c.65T>G (p.Val22Gly)

Genes: TXNRD2 (thioredoxin reductase 2; minus strand), LOC130066960 (ATAC-STARR-seq lymphoblastoid silent region 13467; plus strand). Cytogenetic location: 22q11.21.
Variant type: single nucleotide variant.
Coding change: c.65T>G on transcript NM_006440.5 (MANE Select); coding-DNA position 65, T replaced by G.
Protein change: p.Val22Gly; replaces valine 22 with glycine.
Molecular consequence: missense variant. On other transcripts: non-coding transcript variant (1).
Genome position (GRCh38, 1-based): chr22:19,941,739, A>C on the plus strand (T>G on the coding strand, the complement: TXNRD2 is on the minus strand). VCF-style: chr22-19941739-A-C. GRCh37 (hg19) VCF-style: chr22-19929262-A-C.
Other names: c.65T>G, p.Val22Gly (NM_001282512.3, NM_001352300.2); short protein forms V22G.
Identifiers: ClinVar variation 2449540 (VCV002449540.3), dbSNP rs2517444826, ClinGen allele CA410700063.

ClinVar aggregate classification (germline): Uncertain significance (1 of 4 stars; one submission).

Conditions:
Cardiovascular phenotype. Identifiers: MedGen CN230736.

Submission:

Ambry Genetics
Classification: Uncertain significance for Cardiovascular phenotype. Last evaluated: 2025-01-16. Review status: criteria provided, single submitter. Criteria: Ambry Variant Classification Scheme 2023. Collection method: clinical testing. Allele origin: germline.
Comment: The p.V22G variant (also known as c.65T>G), located in coding exon 1 of the TXNRD2 gene, results from a T to G substitution at nucleotide position 65. The valine at codon 22 is replaced by glycine, an amino acid with dissimilar properties. This amino acid position is conserved. In addition, this alteration is predicted to be tolerated by in silico analysis. Since supporting evidence is limited at this time, the clinical significance of this alteration remains unclear.